The following is an entry in ClinVar:

NM_000334.4(SCN4A):c.1452+8C>A

Gene: SCN4A (sodium voltage-gated channel alpha subunit 4; minus strand). Cytogenetic location: 17q23.3.
Variant type: single nucleotide variant.
Coding change: c.1452+8C>A on transcript NM_000334.4 (MANE Select); 8 bases into the intron after coding-DNA position 1452, C replaced by A.
Molecular consequence: intron variant.
Genome position (GRCh38, 1-based): chr17:63,964,460, G>T on the plus strand (C>A on the coding strand, the complement: SCN4A is on the minus strand). VCF-style: chr17-63964460-G-T. GRCh37 (hg19) VCF-style: chr17-62041820-G-T.
Identifiers: ClinVar variation 513568 (VCV000513568.1), dbSNP rs777701736, ClinGen allele CA8709841.

ClinVar aggregate classification (germline): Likely benign (1 of 4 stars; one submission).

Allele frequency attached by ClinVar (database versions not stated): gnomAD exomes below 0.00001; ExAC 0.00001; TOPMed 0.00002.

Submission:

GeneDx
Classification: Likely benign. Last evaluated: 2017-11-22. Review status: criteria provided, single submitter. Criteria: GeneDx Variant Classification (06012015). Collection method: clinical testing. Allele origin: germline. Affected: yes.
Comment: This variant is considered likely benign or benign based on one or more of the following criteria: it is a conservative change, it occurs at a poorly conserved position in the protein, it is predicted to be benign by multiple in silico algorithms, and/or has population frequency not consistent with disease.